The following is an entry in ClinVar:

ClinVar aggregate classification (germline): Uncertain significance (1 of 4 stars; one submission).

Submission:

GeneDx
Classification: Uncertain significance. Last evaluated: 2022-07-05. Review status: criteria provided, single submitter. Criteria: GeneDx Variant Classification Process June 2021. Collection method: clinical testing. Allele origin: germline. Affected: yes.
Comment: Not observed at significant frequency in large population cohorts (gnomAD); In silico analysis supports that this missense variant has a deleterious effect on protein structure/function; Has not been previously published as pathogenic or benign to our knowledge

NM_014915.3(ANKRD26):c.1973A>G (p.Glu658Gly)

Gene: ANKRD26 (ankyrin repeat domain containing 26; minus strand). Cytogenetic location: 10p12.1.
Variant type: single nucleotide variant.
Coding change: c.1973A>G on transcript NM_014915.3 (MANE Select); coding-DNA position 1973, A replaced by G.
Protein change: p.Glu658Gly; replaces glutamic acid 658 with glycine.
Molecular consequence: missense variant.
Genome position (GRCh38, 1-based): chr10:27,046,365, T>C on the plus strand (A>G on the coding strand, the complement: ANKRD26 is on the minus strand). VCF-style: chr10-27046365-T-C. GRCh37 (hg19) VCF-style: chr10-27335294-T-C.
Other names: c.1970A>G, p.Glu657Gly (NM_001256053.2); short protein forms E658G, E657G.
Identifiers: ClinVar variation 1810513 (VCV001810513.1), dbSNP rs2538867888, ClinGen allele CA376353000.